The following is an entry in ClinVar:

ClinVar aggregate classification (germline): Likely benign. Review status: criteria provided, multiple submitters, no conflicts (2 of 4 stars). 3 submissions from 3 submitters: Likely benign (3). Last evaluated 2025-07-15.

Conditions:
Hereditary cancer-predisposing syndrome. Also called: Hereditary Cancer Syndrome; Hereditary neoplastic syndrome; Neoplastic Syndromes, Hereditary; Tumor predisposition. Identifiers: Orphanet 140162, MedGen C0027672, MeSH D009386, MONDO:0015356.
Multiple endocrine neoplasia, type 1 (MEN1). Also called: MEN I; WERMER SYNDROME; Endocrine adenomatosis multiple; MEN 1; MEA I. Identifiers: Orphanet 652, MedGen C0025267, MeSH D018761, MONDO:0007540, OMIM 131100.

Submissions (3):

Ambry Genetics
Classification: Likely benign for Hereditary cancer-predisposing syndrome. Last evaluated: 2025-07-15. Review status: criteria provided, single submitter. Criteria: Ambry Variant Classification Scheme 2023. Collection method: clinical testing. Allele origin: germline.

All of Us Research Program, National Institutes of Health
Classification: Likely benign for Multiple endocrine neoplasia, type 1. Last evaluated: 2024-02-22. Review status: criteria provided, single submitter. Criteria: ACMG Guidelines, 2015. Collection method: clinical testing. Allele origin: germline. Inheritance: Autosomal dominant inheritance. Observed: 1 variant allele, 1 heterozygote.
Comment: This study involves interpretation of variants in research participants for the purpose of population health screening. Participant phenotype was not available at the time of variant classification. Additional details can be found in publication PMID: 35346344, PMCID: PMC8962531

Labcorp Genetics (formerly Invitae), Labcorp
Classification: Likely benign for Multiple endocrine neoplasia, type 1. Last evaluated: 2023-04-06. Review status: criteria provided, single submitter. Criteria: Invitae Variant Classification Sherloc (09022015). Collection method: clinical testing. Allele origin: germline.

NM_001370259.2(MEN1):c.33C>T (p.Phe11=)

Gene: MEN1 (menin 1; minus strand). Cytogenetic location: 11q13.1.
Variant type: single nucleotide variant.
Coding change: c.33C>T on transcript NM_001370259.2 (MANE Select); coding-DNA position 33, C replaced by T.
Protein change: p.Phe11=; no amino-acid change (phenylalanine 11 retained).
Molecular consequence: synonymous variant. On other transcripts: non-coding transcript variant (4).
Genome position (GRCh38, 1-based): chr11:64,810,077, G>A on the plus strand (C>T on the coding strand, the complement: MEN1 is on the minus strand). VCF-style: chr11-64810077-G-A. GRCh37 (hg19) VCF-style: chr11-64577549-G-A.
Other names: c.33C>T, p.Phe11= (NM_000244.4, NM_001370251.2, NM_001370260.2 and 20 more transcripts).
Identifiers: ClinVar variation 2844962 (VCV002844962.5), dbSNP rs2497290128, ClinGen allele CA475163301.